The following is an entry in ClinVar:

NM_001614.5(ACTG1):c.1121G>A (p.Cys374Tyr)

Gene: ACTG1 (actin gamma 1; minus strand). Cytogenetic location: 17q25.3.
Variant type: single nucleotide variant.
Coding change: c.1121G>A on transcript NM_001614.5 (MANE Select); coding-DNA position 1121, G replaced by A.
Protein change: p.Cys374Tyr; replaces cysteine 374 with tyrosine.
Molecular consequence: missense variant. On other transcripts: non-coding transcript variant (1).
Genome position (GRCh38, 1-based): chr17:81,510,697, C>T on the plus strand (G>A on the coding strand, the complement: ACTG1 is on the minus strand). VCF-style: chr17-81510697-C-T. GRCh37 (hg19) VCF-style: chr17-79477723-C-T.
Other names: c.1121G>A, p.Cys374Tyr (NM_001199954.3); short protein forms C374Y.
Identifiers: ClinVar variation 2940767 (VCV002940767.3), dbSNP rs2544386033, ClinGen allele CA401457284.

ClinVar aggregate classification (germline): Uncertain significance (1 of 4 stars; one submission).

Conditions:
Autosomal dominant nonsyndromic hearing loss 20. Identifiers: Orphanet 90635, MedGen C1858172, MONDO:0011480, OMIM 604717.
Baraitser-winter syndrome 2. Identifiers: Orphanet 2995, MedGen C3281235, MONDO:0013812, OMIM 614583.

Submission:

Labcorp Genetics (formerly Invitae), Labcorp
Classification: Uncertain significance for Baraitser-winter syndrome 2; Autosomal dominant nonsyndromic hearing loss 20. Last evaluated: 2022-11-28. Review status: criteria provided, single submitter. Criteria: Invitae Variant Classification Sherloc (09022015). Collection method: clinical testing. Allele origin: germline.
Comment: This variant is not present in population databases (gnomAD no frequency). This variant has not been reported in the literature in individuals affected with ACTG1-related conditions. Algorithms developed to predict the effect of missense changes on protein structure and function are either unavailable or do not agree on the potential impact of this missense change (SIFT: "Deleterious"; PolyPhen-2: "Probably Damaging"; Align-GVGD: "Class C0"). In summary, the available evidence is currently insufficient to determine the role of this variant in disease. Therefore, it has been classified as a Variant of Uncertain Significance. This sequence change replaces cysteine, which is neutral and slightly polar, with tyrosine, which is neutral and polar, at codon 374 of the ACTG1 protein (p.Cys374Tyr).